The following is an entry in ClinVar:

NM_000748.3(CHRNB2):c.-4C>T

Genes: CHRNB2 (cholinergic receptor nicotinic beta 2 subunit; plus strand), LOC129931511 (ATAC-STARR-seq lymphoblastoid silent region 1363; plus strand). Cytogenetic location: 1q21.3.
Variant type: single nucleotide variant.
Coding change: c.-4C>T on transcript NM_000748.3 (MANE Select); 4 bases upstream of the start codon, C replaced by T.
Molecular consequence: 5 prime UTR variant.
Genome position (GRCh38, 1-based): chr1:154,568,041, C>T. VCF-style: chr1-154568041-C-T. GRCh37 (hg19) VCF-style: chr1-154540517-C-T.
Identifiers: ClinVar variation 5009798 (VCV005009798.1).
Genomic context (GRCh38, chr1:154,568,041, plus strand): 5'-GCGGCCCTCCCCCCGGCGGCGCGCTCCAGCCGGTGTAGGCGAGGCAGCGAGCTATGCCCG[C>T]GGCATGGCCCGGCGCTGCGGCCCCGTGGCGCTGCTCCTTGGCTTCGGCCTCCTCCGGCTG-3'

ClinVar aggregate classification (germline): Uncertain significance (1 of 4 stars; one submission).

Submission:

GeneDx
Classification: Uncertain significance. Last evaluated: 2026-02-19. Review status: criteria provided, single submitter. Criteria: GeneDx Variant Classification Process June 2021. Collection method: clinical testing. Allele origin: germline.
Comment: Nucleotide is not conserved across species and the substitution has no predicted effect on splicing; Has not been previously published as pathogenic or benign to our knowledge; Alters the Kozak sequence, which plays a major role in the initiation of translation